The following is an entry in ClinVar:

NM_000059.4(BRCA2):c.4745C>T (p.Thr1582Ile)

Gene: BRCA2 (BRCA2 DNA repair associated; plus strand). Cytogenetic location: 13q13.1.
Variant type: single nucleotide variant.
Coding change: c.4745C>T on transcript NM_000059.4 (MANE Select); coding-DNA position 4745, C replaced by T.
Protein change: p.Thr1582Ile; replaces threonine 1582 with isoleucine.
Molecular consequence: missense variant.
Genome position (GRCh38, 1-based): chr13:32,339,100, C>T. VCF-style: chr13-32339100-C-T. GRCh37 (hg19) VCF-style: chr13-32913237-C-T.
Other names: short protein forms T1582I.
Identifiers: ClinVar variation 838388 (VCV000838388.13), dbSNP rs746821851, ClinGen allele CA6940810.

ClinVar aggregate classification (germline): Conflicting classifications of pathogenicity. Review status: criteria provided, conflicting classifications (1 of 4 stars). 4 submissions from 4 submitters: Uncertain significance (3); Likely benign (1). Last evaluated 2025-08-15.

Conditions:
Hereditary breast ovarian cancer syndrome. Also called: Hereditary breast and ovarian cancer syndrome (HBOC); Hereditary breast and ovarian cancer; Hereditary breast and/or ovarian cancer syndrome; Hereditary breast and ovarian cancer syndrome; Breast and ovarian cancer; BRCA1- and BRCA2-Associated Hereditary Breast and Ovarian Cancer. Identifiers: Orphanet 145, MedGen C0677776, MeSH D061325, MONDO:0003582. Disease mechanism: loss of function.
Hereditary cancer-predisposing syndrome. Also called: Neoplastic Syndromes, Hereditary; Tumor predisposition; Hereditary neoplastic syndrome; Hereditary Cancer Syndrome. Identifiers: Orphanet 140162, MedGen C0027672, MeSH D009386, MONDO:0015356.

Allele frequency attached by ClinVar (database versions not stated): gnomAD exomes 0.00001; ExAC 0.00002.
gnomAD v4.1: 4 of 1,613,778 alleles (0.00025%); highest among the groups gnomAD compares: South Asian, 0.0044%; no homozygotes.

Submissions (4):

GeneDx
Classification: Uncertain significance. Last evaluated: 2025-08-15. Review status: criteria provided, single submitter. Criteria: GeneDx Variant Classification Process June 2021. Collection method: clinical testing. Allele origin: germline. Affected: yes.
Comment: Not observed at significant frequency in large population cohorts (gnomAD); In silico analysis supports that this missense variant has a deleterious effect on protein structure/function; Has not been previously published as pathogenic or benign to our knowledge; Also known as 1810C>T

Labcorp Genetics (formerly Invitae), Labcorp
Classification: Uncertain significance for Hereditary breast ovarian cancer syndrome. Last evaluated: 2025-05-12. Review status: criteria provided, single submitter. Criteria: Invitae Variant Classification Sherloc (09022015). Collection method: clinical testing. Allele origin: germline.
Comment: This sequence change replaces threonine, which is neutral and polar, with isoleucine, which is neutral and non-polar, at codon 1582 of the BRCA2 protein (p.Thr1582Ile). This variant is present in population databases (rs746821851, gnomAD 0.01%). This variant has not been reported in the literature in individuals affected with BRCA2-related conditions. ClinVar contains an entry for this variant (Variation ID: 838388). Invitae Evidence Modeling of protein sequence and biophysical properties (such as structural, functional, and spatial information, amino acid conservation, physicochemical variation, residue mobility, and thermodynamic stability) indicates that this missense variant is not expected to disrupt BRCA2 protein function with a negative predictive value of 95%. In summary, the available evidence is currently insufficient to determine the role of this variant in disease. Therefore, it has been classified as a Variant of Uncertain Significance.

Ambry Genetics
Classification: Uncertain significance for Hereditary cancer-predisposing syndrome. Last evaluated: 2025-03-08. Review status: criteria provided, single submitter. Criteria: Ambry Variant Classification Scheme 2023. Collection method: clinical testing. Allele origin: germline.
Comment: The p.T1582I variant (also known as c.4745C>T), located in coding exon 10 of the BRCA2 gene, results from a C to T substitution at nucleotide position 4745. The threonine at codon 1582 is replaced by isoleucine, an amino acid with similar properties. This amino acid position is conserved. In addition, this alteration is predicted to be tolerated by in silico analysis. Based on the available evidence, the clinical significance of this variant remains unclear.

University of Washington Department of Laboratory Medicine, University of Washington
Classification: Likely benign for Hereditary cancer-predisposing syndrome. Last evaluated: 2023-03-23. Review status: criteria provided, single submitter. Criteria: Dines et al. (Genet Med. 2020). Collection method: curation. Allele origin: germline.
Comment: Missense variant in a coldspot region where missense variants are very unlikely to be pathogenic (PMID:31911673).

BRCA2 exon 11 coldspot. Reclassification based on statistical prior probability.